The following is an entry in ClinVar:

ClinVar aggregate classification (germline): Uncertain significance (1 of 4 stars; one submission).

Allele frequency attached by ClinVar (database versions not stated): gnomAD 0.00001; ExAC 0.00002; TOPMed 0.00002.

Submission:

Labcorp Genetics (formerly Invitae), Labcorp
Classification: Uncertain significance. Last evaluated: 2022-09-01. Review status: criteria provided, single submitter. Criteria: Invitae Variant Classification Sherloc (09022015). Collection method: clinical testing. Allele origin: germline.
Comment: In summary, the available evidence is currently insufficient to determine the role of this variant in disease. Therefore, it has been classified as a Variant of Uncertain Significance. Algorithms developed to predict the effect of missense changes on protein structure and function are either unavailable or do not agree on the potential impact of this missense change (SIFT: "Tolerated"; PolyPhen-2: "Probably Damaging"; Align-GVGD: "Class C0"). This variant has not been reported in the literature in individuals affected with ADGRE2-related conditions. This variant is present in population databases (rs747246737, gnomAD 0.01%). This sequence change replaces isoleucine, which is neutral and non-polar, with phenylalanine, which is neutral and non-polar, at codon 68 of the ADGRE2 protein (p.Ile68Phe).

NM_013447.4(ADGRE2):c.202A>T (p.Ile68Phe)

Gene: ADGRE2 (adhesion G protein-coupled receptor E2; minus strand). Cytogenetic location: 19p13.12.
Variant type: single nucleotide variant.
Coding change: c.202A>T on transcript NM_013447.4 (MANE Select); coding-DNA position 202, A replaced by T.
Protein change: p.Ile68Phe; replaces isoleucine 68 with phenylalanine.
Molecular consequence: missense variant.
Genome position (GRCh38, 1-based): chr19:14,772,495, T>A on the plus strand (A>T on the coding strand, the complement: ADGRE2 is on the minus strand). VCF-style: chr19-14772495-T-A. GRCh37 (hg19) VCF-style: chr19-14883307-T-A.
Other names: c.202A>T, p.Ile68Phe (NM_001271052.1, NM_152916.2, NM_152917.2); short protein forms I68F.
Identifiers: ClinVar variation 1919023 (VCV001919023.5), dbSNP rs747246737, ClinGen allele CA9258245.